The following is an entry in ClinVar:

NM_205850.3(SLC24A5):c.1361dup (p.Leu454fs)

Genes: MYEF2 (myelin expression factor 2; minus strand), SLC24A5 (solute carrier family 24 member 5; plus strand). Cytogenetic location: 15q21.1.
Variant type: Duplication.
Coding change: c.1361dup on transcript NM_205850.3 (MANE Select); coding-DNA position 1361, one base duplicated (T; older notation c.1361dupT).
Protein change: p.Leu454fs; shifts the reading frame from leucine 454.
Molecular consequence: frameshift variant. On other transcripts: 3 prime UTR variant (2).
Genome position (GRCh38, 1-based): chr15:48,142,209, T duplicated; the last of 7 consecutive T bases (chr15:48,142,203-48,142,209); duplicating any one gives the same sequence. VCF-style (leftmost placement, unchanged base first): chr15-48142202-C-CT. GRCh37 (hg19) VCF-style: chr15-48434399-C-CT.
Other names: c.1361dupT (NM_205850.3); c.*705dup (NM_001301210.2, NM_016132.5); short protein forms L454fs.
Identifiers: ClinVar variation 60560 (VCV000060560.46), dbSNP rs886037644, ClinGen allele CA10602373.

ClinVar aggregate classification (germline): Pathogenic/Likely pathogenic. Review status: criteria provided, multiple submitters, no conflicts (2 of 4 stars). 4 submissions from 4 submitters: Pathogenic (1); Likely pathogenic (2). 1 of the submissions does not count toward it. Last evaluated 2025-05-29.

Conditions:
Oculocutaneous albinism type 6 (OCA6). Also called: Albinism, oculocutaneous, type VI. Identifiers: Orphanet 370097, MedGen C3805375, MONDO:0018264, OMIM 113750.

Submissions (4):

First Genomix Gene Laboratory, Genetic Diagnostics Department
Classification: Pathogenic for Oculocutaneous albinism type 6. Last evaluated: 2025-05-29. Review status: criteria provided, single submitter. Criteria: ACMG Guidelines, 2015. Collection method: clinical testing. Allele origin: germline. Inheritance: Autosomal recessive inheritance. Affected: no. Observed: 1 variant allele.

Labcorp Genetics (formerly Invitae), Labcorp
Classification: Likely pathogenic. Last evaluated: 2022-06-29. Review status: criteria provided, single submitter. Criteria: Invitae Variant Classification Sherloc (09022015). Collection method: clinical testing. Allele origin: germline.
Comment: This sequence change creates a premature translational stop signal (p.Leu454Phefs*33) in the SLC24A5 gene. While this is not anticipated to result in nonsense mediated decay, it is expected to disrupt the last 47 amino acid(s) of the SLC24A5 protein. In summary, the currently available evidence indicates that the variant is pathogenic, but additional data are needed to prove that conclusively. Therefore, this variant has been classified as Likely Pathogenic. ClinVar contains an entry for this variant (Variation ID: 60560). This variant is also known as c.1361insT. This premature translational stop signal has been observed in individual(s) with oculocutaneous albinism (PMID: 23364476, 31077556). In at least one individual the data is consistent with being in trans (on the opposite chromosome) from a pathogenic variant. This variant is not present in population databases (gnomAD no frequency).

Juno Genomics, Hangzhou Juno Genomics, Inc
Classification: Likely pathogenic for Oculocutaneous albinism type 6. Review status: criteria provided, single submitter. Criteria: ACMG Guidelines, 2015. Collection method: clinical testing. Allele origin: germline.
Comment: Absent from controls (or at extremely low frequency if recessive) in Genome Aggregation Database.;Null variant in a gene where loss of function (LOF) is a known mechanism of disease.;For recessive disorders, detected in trans with a pathogenic variant.;Patient's phenotype or family history is highly specific for a disease with a single genetic etiology.

OMIM
Classification: Pathogenic for ALBINISM, OCULOCUTANEOUS, TYPE VI. Last evaluated: 2013-07-01. Review status: no assertion criteria provided. Collection method: literature only. Allele origin: germline. Not counted in ClinVar's aggregate classification.

Literature cited by the submitters: PubMed 23364476 (cited by Labcorp Genetics (formerly Invitae), Labcorp and OMIM); PubMed 31077556 (cited by Labcorp Genetics (formerly Invitae), Labcorp).